The following is an entry in ClinVar:

ClinVar aggregate classification (germline): Conflicting classifications of pathogenicity. Review status: criteria provided, conflicting classifications (1 of 4 stars). 2 submissions from 2 submitters: Uncertain significance (1); Likely benign (1). Last evaluated 2026-06-01.

Conditions:
Inborn genetic diseases. Identifiers: MedGen C0950123, MeSH D030342.

Allele frequency attached by ClinVar (database versions not stated): 1000 Genomes Project 0.00020; 1000 Genomes Project 30x 0.00031; ExAC 0.00034; ESP Exome Variant Server 0.00054; gnomAD 0.00059; TOPMed 0.00060; gnomAD exomes 0.00074.
gnomAD v4.1: 1,155 of 1,613,586 alleles (0.072%); highest among the groups gnomAD compares: Non-Finnish European, 0.09%; 6 homozygotes.

Submissions (2):

CeGaT Center for Human Genetics Tuebingen
Classification: Likely benign. Last evaluated: 2026-06-01. Review status: criteria provided, single submitter. Criteria: CeGaT Center For Human Genetics Tuebingen Variant Classification Criteria Version 2. Collection method: clinical testing. Allele origin: germline. Affected: yes. Observed: 2 variant alleles.
Comment: PTCD3: BP4

Ambry Genetics
Classification: Uncertain significance for Inborn genetic diseases. Last evaluated: 2021-06-18. Review status: criteria provided, single submitter. Criteria: Ambry Variant Classification Scheme 2023. Collection method: clinical testing. Allele origin: germline.

NM_017952.6(PTCD3):c.2044G>A (p.Asp682Asn)

Gene: PTCD3 (pentatricopeptide repeat domain 3; plus strand). Cytogenetic location: 2p11.2.
Variant type: single nucleotide variant.
Coding change: c.2044G>A on transcript NM_017952.6 (MANE Select); coding-DNA position 2044, G replaced by A.
Protein change: p.Asp682Asn; replaces aspartic acid 682 with asparagine.
Molecular consequence: missense variant.
Genome position (GRCh38, 1-based): chr2:86,137,533, G>A. VCF-style: chr2-86137533-G-A. GRCh37 (hg19) VCF-style: chr2-86364656-G-A.
Other names: short protein forms D682N.
Identifiers: ClinVar variation 2347842 (VCV002347842.25), dbSNP rs144366369, ClinGen allele CA1747741.